The following is an entry in ClinVar:

NM_004656.4(BAP1):c.784-20G>A

Gene: BAP1 (BRCA1 associated deubiquitinase 1; minus strand). Cytogenetic location: 3p21.1.
Variant type: single nucleotide variant.
Coding change: c.784-20G>A on transcript NM_004656.4 (MANE Select); 20 bases into the intron before coding-DNA position 784, G replaced by A.
Molecular consequence: intron variant.
Genome position (GRCh38, 1-based): chr3:52,405,932, C>T on the plus strand (G>A on the coding strand, the complement: BAP1 is on the minus strand). VCF-style: chr3-52405932-C-T. GRCh37 (hg19) VCF-style: chr3-52439948-C-T.
Identifiers: ClinVar variation 918310 (VCV000918310.11), dbSNP rs765854490, ClinGen allele CA2436990.

ClinVar aggregate classification (germline): Likely benign. Review status: criteria provided, multiple submitters, no conflicts (2 of 4 stars). 3 submissions from 3 submitters: Likely benign (3). Last evaluated 2025-05-13.

Conditions:
BAP1-related tumor predisposition syndrome (TPDS1). Also called: Tumor susceptibility linked to germline BAP1 mutations; COMMON Syndrome; TUMOR PREDISPOSITION SYNDROME 1; BAP1 tumor predisposition syndrome. Identifiers: Orphanet 289539, MedGen C3280492, MONDO:0013692, OMIM 614327.
Hereditary cancer-predisposing syndrome. Also called: Neoplastic Syndromes, Hereditary; Tumor predisposition; Hereditary Cancer Syndrome; Hereditary neoplastic syndrome. Identifiers: Orphanet 140162, MedGen C0027672, MeSH D009386, MONDO:0015356.

Allele frequency attached by ClinVar (database versions not stated): gnomAD 0.00001; gnomAD exomes 0.00001; TOPMed 0.00001; ExAC 0.00002.
gnomAD v4.1: 11 of 1,613,648 alleles (0.00068%); highest among the groups gnomAD compares: African/African-American, 0.0013%; no homozygotes.

Submissions (3):

Labcorp Genetics (formerly Invitae), Labcorp
Classification: Likely benign for BAP1-related tumor predisposition syndrome. Last evaluated: 2025-05-13. Review status: criteria provided, single submitter. Criteria: Invitae Variant Classification Sherloc (09022015). Collection method: clinical testing. Allele origin: germline.

Myriad Genetics, Inc.
Classification: Likely benign for BAP1-related tumor predisposition syndrome. Last evaluated: 2024-07-15. Review status: criteria provided, single submitter. Criteria: Myriad Autosomal Dominant, Autosomal Recessive and X-Linked Classification Criteria (2023). Collection method: clinical testing. Allele origin: unknown.
Comment: This variant is considered likely benign. This variant is intronic and is not expected to impact mRNA splicing.

Color Diagnostics, LLC DBA Color Health
Classification: Likely benign for Hereditary cancer-predisposing syndrome. Last evaluated: 2019-03-15. Review status: criteria provided, single submitter. Criteria: ACMG Guidelines, 2015. Collection method: clinical testing. Allele origin: germline.